The following is an entry in ClinVar:

NM_000222.3(KIT):c.522T>C (p.Ser174=)

Gene: KIT (KIT proto-oncogene, receptor tyrosine kinase; plus strand). Cytogenetic location: 4q12.
Variant type: single nucleotide variant.
Coding change: c.522T>C on transcript NM_000222.3 (MANE Select); coding-DNA position 522, T replaced by C.
Protein change: p.Ser174=; no amino-acid change (serine 174 retained).
Molecular consequence: synonymous variant.
Genome position (GRCh38, 1-based): chr4:54,698,468, T>C. VCF-style: chr4-54698468-T-C. GRCh37 (hg19) VCF-style: chr4-55564634-T-C.
Other names: c.522T>C, p.Ser174= (NM_001093772.2, NM_001385284.1, NM_001385285.1 and 4 more transcripts).
Identifiers: ClinVar variation 458953 (VCV000458953.17), dbSNP rs145993517, ClinGen allele CA2923258.

ClinVar aggregate classification (germline): Benign/Likely benign. Review status: criteria provided, multiple submitters, no conflicts (2 of 4 stars). 5 submissions from 5 submitters: Benign (1); Likely benign (3). 1 of the submissions does not count toward it. Last evaluated 2026-06-03.

Conditions:
KIT-related disorder. Also called: KIT-related condition.
Hereditary cancer-predisposing syndrome. Also called: Tumor predisposition; Hereditary neoplastic syndrome; Neoplastic Syndromes, Hereditary; Hereditary Cancer Syndrome. Identifiers: Orphanet 140162, MedGen C0027672, MeSH D009386, MONDO:0015356.
Gastrointestinal stromal tumor. Also called: Gastrointestinal stroma tumor; Gastrointestinal stromal tumor, somatic. Identifiers: Orphanet 44890, MedGen C0238198, MeSH D046152, MONDO:0011719, OMIM 606764, HP:0100723.

Allele frequency attached by ClinVar (database versions not stated): gnomAD exomes 0.00002 and 0.00004; TOPMed 0.00003; ExAC 0.00006; gnomAD 0.00006 and 0.00008; ESP Exome Variant Server 0.00015; 1000 Genomes Project 30x 0.00078; 1000 Genomes Project 0.00100.
gnomAD v4.1: 38 of 1,614,100 alleles (0.0024%); highest among the groups gnomAD compares: African/African-American, 0.035%; no homozygotes.

Submissions (5):

Myriad Genetics, Inc.
Classification: Benign for Gastrointestinal stromal tumor. Last evaluated: 2026-06-03. Review status: criteria provided, single submitter. Criteria: Myriad Autosomal Dominant, Autosomal Recessive and X-Linked Classification Criteria (2023). Collection method: clinical testing. Allele origin: unknown.
Comment: This variant is considered benign. This variant is a silent/synonymous amino acid change and it is not expected to impact splicing.

Labcorp Genetics (formerly Invitae), Labcorp
Classification: Likely benign for Gastrointestinal stromal tumor. Last evaluated: 2026-01-10. Review status: criteria provided, single submitter. Criteria: Invitae Variant Classification Sherloc (09022015). Collection method: clinical testing. Allele origin: germline.

KCCC/NGS Laboratory, Kuwait Cancer Control Center
Classification: Likely benign for Gastrointestinal stromal tumor. Last evaluated: 2023-07-07. Review status: criteria provided, single submitter. Criteria: ACMG Guidelines, 2015. Collection method: clinical testing. Allele origin: germline. Affected: yes.

Ambry Genetics
Classification: Likely benign for Hereditary cancer-predisposing syndrome. Last evaluated: 2020-06-12. Review status: criteria provided, single submitter. Criteria: Ambry Variant Classification Scheme 2023. Collection method: clinical testing. Allele origin: germline.

PreventionGenetics, part of Exact Sciences
Classification: Likely benign for KIT-related condition. Last evaluated: 2022-10-25. Review status: no assertion criteria provided. Collection method: clinical testing. Allele origin: germline. Not counted in ClinVar's aggregate classification.
Comment: This variant is classified as likely benign based on ACMG/AMP sequence variant interpretation guidelines (Richards et al. 2015 PMID: 25741868, with internal and published modifications).